The following is an entry in ClinVar:

NM_012473.4(TXN2):c.129_130delinsAC (p.Val44Leu)

Gene: TXN2 (thioredoxin 2; minus strand). Cytogenetic location: 22q12.3.
Variant type: Indel.
Coding change: c.129_130delinsAC on transcript NM_012473.4 (MANE Select); coding-DNA positions 129 to 130, TG replaced by AC.
Protein change: p.Val44Leu; replaces valine 44 with leucine.
Molecular consequence: missense variant.
Genome position (GRCh38, 1-based): chr22:36,480,708-36,480,709, CA replaced by GT on the plus strand (TG replaced by AC on the coding strand, the reverse complement: TXN2 is on the minus strand). VCF-style: chr22-36480708-CA-GT. GRCh37 (hg19) VCF-style: chr22-36876755-CA-GT.
Other names: short protein forms V44L.
Identifiers: ClinVar variation 1928057 (VCV001928057.5), dbSNP rs2518120960, ClinGen allele CA2580099722.

ClinVar aggregate classification (germline): Uncertain significance (1 of 4 stars; one submission).

Submission:

Labcorp Genetics (formerly Invitae), Labcorp
Classification: Uncertain significance. Last evaluated: 2025-12-27. Review status: criteria provided, single submitter. Criteria: Invitae Variant Classification Sherloc (09022015). Collection method: clinical testing. Allele origin: germline.
Comment: This sequence change replaces valine, which is neutral and non-polar, with leucine, which is neutral and non-polar, at codon 44 of the TXN2 protein (p.Val44Leu). Information on the frequency of this variant in the gnomAD database is not available, as this variant may be reported differently in the database. This variant has not been reported in the literature in individuals affected with TXN2-related conditions. ClinVar contains an entry for this variant (Variation ID: 1928057). Experimental studies and prediction algorithms are not available or were not evaluated, and the functional significance of this variant is currently unknown. In summary, the available evidence is currently insufficient to determine the role of this variant in disease. Therefore, it has been classified as a Variant of Uncertain Significance.